The following is an entry in ClinVar:

NM_007294.4(BRCA1):c.5054_5074+3del

Gene: BRCA1 (BRCA1 DNA repair associated; minus strand). Cytogenetic location: 17q21.31.
Variant type: Deletion.
Coding change: c.5054_5074+3del on transcript NM_007294.4 (MANE Select); coding-DNA position 5054 through 3 bases into the intron after coding-DNA position 5074, 24 bases deleted (CTCATGTTGTTATGAAAACAGGTA).
Molecular consequence: splice donor variant. On other transcripts: intron variant (1).
Genome position (GRCh38, 1-based): chr17:43,067,605-43,067,628, TACCTGTTTTCATAACAACATGAG deleted on the plus strand (CTCATGTTGTTATGAAAACAGGTA on the coding strand, the reverse complement: BRCA1 is on the minus strand); deleting any 24 consecutive bases within chr17:43,067,605-43,067,630 gives the same sequence; the c. name uses the placement nearest the transcript's 3' end. VCF-style (leftmost placement, unchanged base first): chr17-43067604-ATACCTGTTTTCATAACAACATGAG-A. GRCh37 (hg19) VCF-style: chr17-41219621-ATACCTGTTTTCATAACAACATGAG-A.
Other names: c.1619_1639+3del (NM_001408435.1, NM_001408436.1, NM_001408444.1 and 10 more transcripts); c.4928_4948+3del (NM_001407671.1, NM_001407940.1, NM_001407676.1 and 11 more transcripts); c.4925_4945+3del (NM_001407685.1, NM_001407688.1, NM_001407686.1 and 6 more transcripts); c.4922_4942+3del (NM_001407691.1, NM_001407690.1); c.1601_1621+3del (NM_001408458.1, NM_001408461.1, NM_001408464.1 and 7 more transcripts); c.4163_4183+3del (NM_001407967.1); c.4673_4693+3del (NM_001407959.1); c.4787_4807+3del (NM_001407931.1, NM_001407932.1, NM_001407928.1 and 4 more transcripts); and 71 more.
Identifiers: ClinVar variation 1745056 (VCV001745056.2), dbSNP rs2550169186, ClinGen allele CA2580093974.

ClinVar aggregate classification (germline): Likely pathogenic (1 of 4 stars; one submission).

Conditions:
Hereditary cancer-predisposing syndrome. Also called: Hereditary Cancer Syndrome; Neoplastic Syndromes, Hereditary; Tumor predisposition; Hereditary neoplastic syndrome. Identifiers: Orphanet 140162, MedGen C0027672, MeSH D009386, MONDO:0015356.

Submission:

Ambry Genetics
Classification: Likely pathogenic for Hereditary cancer-predisposing syndrome. Last evaluated: 2019-03-28. Review status: criteria provided, single submitter. Criteria: Ambry Variant Classification Scheme 2023. Collection method: clinical testing. Allele origin: germline.
Comment: The c.5054_5074+3del24 variant results from a deletion of 24 nucleotides at positions c.5054 to c.5074+3, spanning coding exon 15 and intron 15 of the BRCA1 gene. This nucleotide region is well conserved in available vertebrate species. Using the BDGP and ESEfinder splice site prediction tools, this alteration is expected to abolish the native splice donor site; however experimental evidence is not currently available. Alterations that disrupt the canonical splice site are expected to cause aberrant splicing, resulting in an abnormal protein or a transcript that is subject to nonsense-mediated mRNA decay. As such, this alteration is classified as likely pathogenic.